The following is an entry in ClinVar:

NM_020166.5(MCCC1):c.1315G>T (p.Val439Leu)

Gene: MCCC1 (methylcrotonyl-CoA carboxylase subunit 1; minus strand). Cytogenetic location: 3q27.1.
Variant type: single nucleotide variant.
Coding change: c.1315G>T on transcript NM_020166.5 (MANE Select); coding-DNA position 1315, G replaced by T.
Protein change: p.Val439Leu; replaces valine 439 with leucine.
Molecular consequence: missense variant. On other transcripts: non-coding transcript variant (2).
Genome position (GRCh38, 1-based): chr3:183,039,088, C>A on the plus strand (G>T on the coding strand, the complement: MCCC1 is on the minus strand). VCF-style: chr3-183039088-C-A. GRCh37 (hg19) VCF-style: chr3-182756876-C-A.
Other names: c.964G>T, p.Val322Leu (NM_001293273.2); c.988G>T, p.Val330Leu (NM_001363880.1); short protein forms V322L, V330L, V439L.
Identifiers: ClinVar variation 1210430 (VCV001210430.9), dbSNP rs398124352, ClinGen allele CA2718813.

ClinVar aggregate classification (germline): Conflicting classifications of pathogenicity. Review status: criteria provided, conflicting classifications (1 of 4 stars). 3 submissions from 3 submitters: Likely pathogenic (1); Uncertain significance (2). Last evaluated 2025-06-13.

Conditions:
3-methylcrotonyl-CoA carboxylase 1 deficiency (MCC1D). Also called: MCCD TYPE 1; METHYLCROTONYLGLYCINURIA TYPE I; MCC 1 deficiency; 3 Alpha methylcrotonylglycinuria 1. Identifiers: Orphanet 6, MedGen CN028786, MONDO:0008861, OMIM 210200.

Allele frequency attached by ClinVar (database versions not stated): ExAC 0.00002.

Submissions (3):

Women's Health and Genetics/Laboratory Corporation of America, LabCorp
Classification: Uncertain significance. Last evaluated: 2025-06-13. Review status: criteria provided, single submitter. Criteria: LabCorp Variant Classification Summary - May 2015. Collection method: clinical testing. Allele origin: germline.
Comment: Variant summary: MCCC1 c.1315G>T (p.Val439Leu) results in a conservative amino acid change in the encoded protein sequence. Algorithms developed to predict the effect of missense changes on protein structure and function are either unavailable or do not agree on the potential impact of this missense change. The variant allele was found at a frequency of 3.2e-05 in 251428 control chromosomes (gnomAD). The available data on variant occurrences in the general population are insufficient to allow any conclusion about variant significance. To our knowledge, no occurrence of c.1315G>T in individuals affected with Methylcrotonyl-CoA Carboxylase Deficiency and no experimental evidence demonstrating its impact on protein function have been reported. ClinVar contains an entry for this variant (Variation ID: 1210430). Based on the evidence outlined above, the variant was classified as uncertain significance.

Labcorp Genetics (formerly Invitae), Labcorp
Classification: Likely pathogenic for 3-methylcrotonyl-CoA carboxylase 1 deficiency. Last evaluated: 2024-12-04. Review status: criteria provided, single submitter. Criteria: Invitae Variant Classification Sherloc (09022015). Collection method: clinical testing. Allele origin: germline.
Comment: This sequence change replaces valine, which is neutral and non-polar, with leucine, which is neutral and non-polar, at codon 439 of the MCCC1 protein (p.Val439Leu). This variant is present in population databases (rs398124352, gnomAD 0.03%). This variant has not been reported in the literature in individuals affected with MCCC1-related conditions. ClinVar contains an entry for this variant (Variation ID: 1210430). Invitae Evidence Modeling of protein sequence and biophysical properties (such as structural, functional, and spatial information, amino acid conservation, physicochemical variation, residue mobility, and thermodynamic stability) indicates that this missense variant is expected to disrupt MCCC1 protein function with a positive predictive value of 95%. This variant disrupts the p.Val439 amino acid residue in MCCC1. Other variant(s) that disrupt this residue have been determined to be pathogenic (PMID: 22642865, 31901042; internal data). This suggests that this residue is clinically significant, and that variants that disrupt this residue are likely to be disease-causing. In summary, the currently available evidence indicates that the variant is pathogenic, but additional data are needed to prove that conclusively. Therefore, this variant has been classified as Likely Pathogenic.

Genome-Nilou Lab
Classification: Uncertain significance for 3-methylcrotonyl-CoA carboxylase 1 deficiency. Last evaluated: 2021-07-22. Review status: criteria provided, single submitter. Criteria: ACMG Guidelines, 2015. Collection method: clinical testing. Allele origin: germline. Affected: no.

Literature cited by the submitters: PubMed 22642865 (cited by Labcorp Genetics (formerly Invitae), Labcorp); PubMed 31901042 (cited by Labcorp Genetics (formerly Invitae), Labcorp).